The following is an entry in ClinVar:

ClinVar aggregate classification (germline): Uncertain significance (1 of 4 stars; one submission).

Allele frequency attached by ClinVar (database versions not stated): gnomAD exomes below 0.00001.
gnomAD v4.1: 5 of 1,614,120 alleles (0.00031%); highest among the groups gnomAD compares: Non-Finnish European, 0.00034%; no homozygotes.

Submission:

Labcorp Genetics (formerly Invitae), Labcorp
Classification: Uncertain significance. Last evaluated: 2022-07-29. Review status: criteria provided, single submitter. Criteria: Invitae Variant Classification Sherloc (09022015). Collection method: clinical testing. Allele origin: germline.
Comment: This sequence change replaces methionine, which is neutral and non-polar, with valine, which is neutral and non-polar, at codon 4113 of the DNAH9 protein (p.Met4113Val). This variant is present in population databases (no rsID available, gnomAD 0.002%). This variant has not been reported in the literature in individuals affected with DNAH9-related conditions. Algorithms developed to predict the effect of missense changes on protein structure and function are either unavailable or do not agree on the potential impact of this missense change (SIFT: "Deleterious"; PolyPhen-2: "Probably Damaging"; Align-GVGD: "Class C0"). In summary, the available evidence is currently insufficient to determine the role of this variant in disease. Therefore, it has been classified as a Variant of Uncertain Significance.

NM_001372.4(DNAH9):c.12337A>G (p.Met4113Val)

Gene: DNAH9 (dynein axonemal heavy chain 9; plus strand). Cytogenetic location: 17p12.
Variant type: single nucleotide variant.
Coding change: c.12337A>G on transcript NM_001372.4 (MANE Select); coding-DNA position 12337, A replaced by G.
Protein change: p.Met4113Val; replaces methionine 4113 with valine.
Molecular consequence: missense variant.
Genome position (GRCh38, 1-based): chr17:11,933,919, A>G. VCF-style: chr17-11933919-A-G. GRCh37 (hg19) VCF-style: chr17-11837236-A-G.
Other names: c.1273A>G, p.Met425Val (NM_004662.2); short protein forms M4113V, M425V.
Identifiers: ClinVar variation 2064492 (VCV002064492.1), dbSNP rs1476643053, ClinGen allele CA398213338.